The following is an entry in ClinVar:

ClinVar aggregate classification (germline): Uncertain significance (1 of 4 stars; one submission).

Allele frequency attached by ClinVar (database versions not stated): gnomAD exomes below 0.00001.
gnomAD v4.1: 1 of 1,583,574 alleles (0.000063%); highest among the groups gnomAD compares: Non-Finnish European, 0.000086%; no homozygotes.

Submission:

Labcorp Genetics (formerly Invitae), Labcorp
Classification: Uncertain significance. Last evaluated: 2023-07-25. Review status: criteria provided, single submitter. Criteria: Invitae Variant Classification Sherloc (09022015). Collection method: clinical testing. Allele origin: germline.
Comment: This variant is not present in population databases (gnomAD no frequency). This variant has not been reported in the literature in individuals affected with SULF1-related conditions. Variants that disrupt the consensus splice site are a relatively common cause of aberrant splicing (PMID: 17576681, 9536098). Algorithms developed to predict the effect of sequence changes on RNA splicing suggest that this variant may disrupt the consensus splice site. In summary, the available evidence is currently insufficient to determine the role of this variant in disease. Therefore, it has been classified as a Variant of Uncertain Significance. This sequence change falls in intron 22 of the SULF1 gene. It does not directly change the encoded amino acid sequence of the SULF1 protein. It affects a nucleotide within the consensus splice site.

Literature cited by the submitters: PubMed 17576681; PubMed 9536098.

NM_001128205.2(SULF1):c.2586-1G>A

Gene: SULF1 (sulfatase 1; plus strand). Cytogenetic location: 8q13.3.
Variant type: single nucleotide variant.
Coding change: c.2586-1G>A on transcript NM_001128205.2 (MANE Select); the canonical splice acceptor site of the intron before coding-DNA position 2586, G replaced by A.
Molecular consequence: splice acceptor variant.
Genome position (GRCh38, 1-based): chr8:69,658,504, G>A. VCF-style: chr8-69658504-G-A. GRCh37 (hg19) VCF-style: chr8-70570739-G-A.
Other names: c.2586-1G>A (NM_001412835.1, NM_015170.3, NM_001128204.2 and 1 more transcripts); c.2552-1G>A (NM_001412828.1, NM_001412829.1, NM_001412830.1 and 1 more transcripts); c.*36-1G>A (NM_001412851.1, NM_001412850.1); c.2529-1G>A (NM_001412836.1, NM_001412837.1); c.2457-1G>A (NM_001412839.1, NM_001412838.1, NM_001412840.1); c.1986-1G>A (NM_001412845.1, NM_001412844.1); c.761-1G>A (NM_001412846.1); c.2400-1G>A (NM_001412841.1, NM_001412842.1); and 1 more.
Identifiers: ClinVar variation 2805295 (VCV002805295.3), dbSNP rs2537542578, ClinGen allele CA371230587.
Genomic context (GRCh38, chr8:69,658,504, plus strand): 5'-GTCCAGGTAAGTAGAAAGCCTTTTCTCCACTAATGATTCACCTTCTTCTCTCTTTTCACA[G>A]AGGACAGTTATGGGATGGATGGGAAGGTTAATCAGCCCCGTCTCACTGCAGACATCAACT-3'